The following is an entry in ClinVar:

NM_003073.5(SMARCB1):c.197C>T (p.Ser66Leu)

Gene: SMARCB1 (SWI/SNF related BAF chromatin remodeling complex subunit B1; plus strand). Cytogenetic location: 22q11.23.
Variant type: single nucleotide variant.
Coding change: c.197C>T on transcript NM_003073.5 (MANE Select); coding-DNA position 197, C replaced by T.
Protein change: p.Ser66Leu; replaces serine 66 with leucine.
Molecular consequence: missense variant.
Genome position (GRCh38, 1-based): chr22:23,791,859, C>T. VCF-style: chr22-23791859-C-T. GRCh37 (hg19) VCF-style: chr22-24134046-C-T.
Other names: c.197C>T, p.Ser66Leu (NM_001007468.3, NM_001317946.2, NM_001362877.2); short protein forms S66L.
Identifiers: ClinVar variation 2730811 (VCV002730811.5), dbSNP rs1268653633, ClinGen allele CA410933023.

ClinVar aggregate classification (germline): Uncertain significance. Review status: criteria provided, multiple submitters, no conflicts (2 of 4 stars). 2 submissions from 2 submitters: Uncertain significance (2). Last evaluated 2025-10-28.

Conditions:
Hereditary cancer-predisposing syndrome. Also called: Hereditary Cancer Syndrome; Tumor predisposition; Neoplastic Syndromes, Hereditary; Hereditary neoplastic syndrome. Identifiers: Orphanet 140162, MedGen C0027672, MeSH D009386, MONDO:0015356.

Allele frequency attached by ClinVar (database versions not stated): gnomAD exomes below 0.00001.
gnomAD v4.1: 6 of 1,614,018 alleles (0.00037%); highest among the groups gnomAD compares: South Asian, 0.0033%; no homozygotes.

Submissions (2):

Labcorp Genetics (formerly Invitae), Labcorp
Classification: Uncertain significance. Last evaluated: 2025-10-28. Review status: criteria provided, single submitter. Criteria: Invitae Variant Classification Sherloc (09022015). Collection method: clinical testing. Allele origin: germline.
Comment: This sequence change replaces serine, which is neutral and polar, with leucine, which is neutral and non-polar, at codon 66 of the SMARCB1 protein (p.Ser66Leu). This variant is not present in population databases (gnomAD no frequency). This variant has not been reported in the literature in individuals affected with SMARCB1-related conditions. ClinVar contains an entry for this variant (Variation ID: 2730811). An algorithm developed to predict the effect of missense changes on protein structure and function (PolyPhen-2) suggests that this variant is likely to be tolerated. In summary, the available evidence is currently insufficient to determine the role of this variant in disease. Therefore, it has been classified as a Variant of Uncertain Significance.

Ambry Genetics
Classification: Uncertain significance for Hereditary cancer-predisposing syndrome. Last evaluated: 2025-04-11. Review status: criteria provided, single submitter. Criteria: Ambry Variant Classification Scheme 2023. Collection method: clinical testing. Allele origin: germline.
Comment: The p.S66L variant (also known as c.197C>T), located in coding exon 2 of the SMARCB1 gene, results from a C to T substitution at nucleotide position 197. The serine at codon 66 is replaced by leucine, an amino acid with dissimilar properties. This alteration has been reported in a patient with atypical teratoid rhabdoid tumor (ATRT) (Holsten T et al. Eur J Hum Genet, 2018 Aug;26:1083-1093). This amino acid position is highly conserved in available vertebrate species. In addition, this alteration is predicted to be deleterious by in silico analysis. This variant has been detected in individual(s) with no reported features of Coffin-Siris syndrome (Ambry internal data). Based on the supporting evidence, the association of this alteration with SMARCB1-related tumor predisposition syndrome is unknown; however, the association of this alteration with Coffin-Siris syndrome is unlikely.

Literature cited by the submitters: PubMed 29706634 (cited by Ambry Genetics); PubMed 30032850 (cited by Ambry Genetics); PubMed 33024572 (cited by Ambry Genetics).